The following is an entry in ClinVar:

ClinVar aggregate classification (germline): Uncertain significance (1 of 4 stars; one submission).

Allele frequency attached by ClinVar (database versions not stated): gnomAD exomes below 0.00001; TOPMed below 0.00001.
gnomAD v4.1: 1 of 1,549,928 alleles (0.000065%); no homozygotes.

Submission:

Labcorp Genetics (formerly Invitae), Labcorp
Classification: Uncertain significance. Last evaluated: 2021-03-07. Review status: criteria provided, single submitter. Criteria: Invitae Variant Classification Sherloc (09022015). Collection method: clinical testing. Allele origin: germline.
Comment: This sequence change replaces arginine with histidine at codon 301 of the ARPC1B protein (p.Arg301His). The arginine residue is moderately conserved and there is a small physicochemical difference between arginine and histidine. The frequency data for this variant in the population databases is considered unreliable, as metrics indicate insufficient coverage at this position in the ExAC database. This variant has not been reported in the literature in individuals with ARPC1B-related conditions. Algorithms developed to predict the effect of missense changes on protein structure and function (SIFT, PolyPhen-2, Align-GVGD) all suggest that this variant is likely to be tolerated, but these predictions have not been confirmed by published functional studies and their clinical significance is uncertain. In summary, the available evidence is currently insufficient to determine the role of this variant in disease. Therefore, it has been classified as a Variant of Uncertain Significance.

NM_005720.4(ARPC1B):c.902G>A (p.Arg301His)

Gene: ARPC1B (actin related protein 2/3 complex subunit 1B; plus strand). Cytogenetic location: 7q22.1.
Variant type: single nucleotide variant.
Coding change: c.902G>A on transcript NM_005720.4 (MANE Select); coding-DNA position 902, G replaced by A.
Protein change: p.Arg301His; replaces arginine 301 with histidine.
Molecular consequence: missense variant.
Genome position (GRCh38, 1-based): chr7:99,392,789, G>A. VCF-style: chr7-99392789-G-A. GRCh37 (hg19) VCF-style: chr7-98990412-G-A.
Other names: short protein forms R301H.
Identifiers: ClinVar variation 1377043 (VCV001377043.8), dbSNP rs1388736118, ClinGen allele CA368328714.